The following is an entry in ClinVar:

ClinVar aggregate classification (germline): Pathogenic (1 of 4 stars; one submission).

Conditions:
CHARGE syndrome (CHARGE). Also called: Hittner Hirsch Kreh syndrome; Coloboma, heart anomaly, choanal atresia, retardation, genital and ear anomalies; CHARGE association; Hall-Hittner syndrome; CHARGE ASSOCIATION--COLOBOMA, HEART ANOMALY, CHOANAL ATRESIA, RETARDATION, GENITAL AND EAR ANOMALIES. Identifiers: Orphanet 138, MedGen C0265354, MONDO:0008965.

Submission:

Genomic Diagnostic Laboratory, Division of Genomic Diagnostics, Children's Hospital of Philadelphia
Classification: Pathogenic for CHARGE syndrome. Last evaluated: 2016-09-05. Review status: criteria provided, single submitter. Criteria: DGD Variant Analysis Guidelines. Collection method: clinical testing. Allele origin: germline. Affected: yes. Observed: 1 variant allele.
Comment: Clinical Testing

NM_017780.4(CHD7):c.7282dup (p.Arg2428fs)

Gene: CHD7 (chromodomain helicase DNA binding protein 7; plus strand). Cytogenetic location: 8q12.2.
Variant type: Duplication.
Coding change: c.7282dup on transcript NM_017780.4 (MANE Select); coding-DNA position 7282, one base duplicated (C; older notation c.7282dupC).
Protein change: p.Arg2428fs; shifts the reading frame from arginine 2428.
Molecular consequence: frameshift variant. On other transcripts: intron variant (1).
Genome position (GRCh38, 1-based): chr8:60,856,562, C duplicated. VCF-style (leftmost placement, unchanged base first): chr8-60856561-T-TC. GRCh37 (hg19) VCF-style: chr8-61769120-T-TC.
Other names: c.7282dup (LRG_176t1); c.1717-5667dup (NM_001316690.1); short protein forms R2428fs.
Identifiers: ClinVar variation 267437 (VCV000267437.2), dbSNP rs886040997, ClinGen allele CA10602504.